The following is an entry in ClinVar:

ClinVar aggregate classification (germline): Uncertain significance (1 of 4 stars; one submission).

Submission:

Ambry Genetics
Classification: Uncertain significance. Last evaluated: 2024-11-22. Review status: criteria provided, single submitter. Criteria: Ambry Variant Classification Scheme 2023. Collection method: clinical testing. Allele origin: germline.
Comment: The p.S239F variant (also known as c.716C>T), located in coding exon 1 of the TET2 gene, results from a C to T substitution at nucleotide position 716. The serine at codon 239 is replaced by phenylalanine, an amino acid with highly dissimilar properties. This amino acid position is conserved. In addition, the in silico prediction for this alteration is inconclusive. Based on the available evidence, the clinical significance of this variant remains unclear.

NM_001127208.3(TET2):c.716C>T (p.Ser239Phe)

Genes: TET2 (tet methylcytosine dioxygenase 2; plus strand), TET2-AS1 (TET2 antisense RNA 1; minus strand). Cytogenetic location: 4q24.
Variant type: single nucleotide variant.
Coding change: c.716C>T on transcript NM_001127208.3 (MANE Select); coding-DNA position 716, C replaced by T.
Protein change: p.Ser239Phe; replaces serine 239 with phenylalanine.
Molecular consequence: missense variant.
Genome position (GRCh38, 1-based): chr4:105,234,658, C>T. VCF-style: chr4-105234658-C-T. GRCh37 (hg19) VCF-style: chr4-106155815-C-T.
Other names: c.716C>T, p.Ser239Phe (NM_017628.4); short protein forms S239F.
Identifiers: ClinVar variation 3455316 (VCV003455316.1).